The following is an entry in ClinVar:

NM_007294.4(BRCA1):c.3132T>G (p.Ile1044Met)

Gene: BRCA1 (BRCA1 DNA repair associated; minus strand). Cytogenetic location: 17q21.31.
Variant type: single nucleotide variant.
Coding change: c.3132T>G on transcript NM_007294.4 (MANE Select); coding-DNA position 3132, T replaced by G.
Protein change: p.Ile1044Met; replaces isoleucine 1044 with methionine.
Molecular consequence: missense variant. On other transcripts: intron variant (137).
Genome position (GRCh38, 1-based): chr17:43,092,399, A>C on the plus strand (T>G on the coding strand, the complement: BRCA1 is on the minus strand). VCF-style: chr17-43092399-A-C. GRCh37 (hg19) VCF-style: chr17-41244416-A-C.
Other names: c.2991T>G, p.Ile997Met (NM_001407738.1, NM_001407739.1, NM_001407692.1 and 29 more transcripts); c.2988T>G, p.Ile996Met (NM_001407743.1, NM_001407744.1, NM_001407740.1 and 20 more transcripts); c.2919T>G, p.Ile973Met (NM_001407571.1, NM_001407853.1, NM_001407894.1 and 9 more transcripts); c.3132T>G, p.Ile1044Met (NM_001407581.1, NM_001407582.1, NM_001407583.1 and 30 more transcripts); c.3129T>G, p.Ile1043Met (NM_001407587.1, NM_001407590.1, NM_001407591.1 and 22 more transcripts); c.461-1367T>G (NM_001408506.1, NM_001408507.1); c.578-1367T>G (NM_001408481.1, NM_001408480.1, NM_001408492.1 and 9 more transcripts); c.779-1367T>G (NM_001408408.1); and 41 more; short protein forms I1044M, I997M, I1002M, I1018M, I1041M, I916M, I933M, I974M.
Identifiers: ClinVar variation 441445 (VCV000441445.7), dbSNP rs1555588333, ClinGen allele CA10595720.
Genomic context (GRCh38, chr17:43,092,399, plus strand): 5'-ACTGGAACCTATTTCATTAATACTGGAGCCCACTTCATTAGTACTGGAACCTACTTCATT[A>C]ATATTGCTTGAGCTGGCTTCTTTAAAAACATTTTCTCTAATGTTATTACGGCTAATTGTG-3'
Protein context (NP_009225.1, residues 1034-1054): NVFKEASSSN[Ile1044Met]NEVGSSTNEV

ClinVar aggregate classification (germline): Conflicting classifications of pathogenicity. Review status: criteria provided, conflicting classifications (1 of 4 stars). 2 submissions from 2 submitters: Uncertain significance (1); Likely benign (1). Last evaluated 2023-03-23.

Conditions:
Hereditary cancer-predisposing syndrome. Also called: Hereditary Cancer Syndrome; Hereditary neoplastic syndrome; Neoplastic Syndromes, Hereditary; Tumor predisposition. Identifiers: Orphanet 140162, MedGen C0027672, MeSH D009386, MONDO:0015356.

Allele frequency attached by ClinVar (database versions not stated): gnomAD exomes below 0.00001.
gnomAD v4.1: 1 of 1,613,880 alleles (0.000062%); highest among the groups gnomAD compares: Non-Finnish European, 0.000085%; no homozygotes.

Submissions (2):

University of Washington Department of Laboratory Medicine, University of Washington
Classification: Likely benign for Hereditary cancer-predisposing syndrome. Last evaluated: 2023-03-23. Review status: criteria provided, single submitter. Criteria: Dines et al. (Genet Med. 2020). Collection method: curation. Allele origin: germline.
Comment: Missense variant in a coldspot region where missense variants are very unlikely to be pathogenic (PMID:31911673).

BRCA1 coldspot (exon 11 using historical exon numbering). Reclassification based on statistical prior probability

Ambry Genetics
Classification: Uncertain significance for Hereditary cancer-predisposing syndrome. Last evaluated: 2016-05-26. Review status: criteria provided, single submitter. Criteria: Ambry Variant Classification Scheme 2023. Collection method: clinical testing. Allele origin: germline.
Comment: The p.I1044M variant (also known as c.3132T>G), located in coding exon 9 of the BRCA1 gene, results from a T to G substitution at nucleotide position 3132. The isoleucine at codon 1044 is replaced by methionine, an amino acid with highly similar properties. This variant was not reported in population based cohorts in the following databases: Database of Single Nucleotide Polymorphisms (dbSNP), NHLBI Exome Sequencing Project (ESP), and 1000 Genomes Project. In the ESP, this variant was not observed in 6502 samples (13004 alleles) with coverage at this position. To date, this alteration has been detected with an allele frequency of approximately 0.0003% (greater than 300000 alleles tested) in our clinical cohort. This amino acid position is poorly conserved in available vertebrate species. In addition, this alteration is predicted to be possibly damaging and deleterious by PolyPhen and SIFT in silico analyses, respectively. Since supporting evidence is limited at this time, the clinical significance of this alteration remains unclear.